The following is an entry in ClinVar:

ClinVar aggregate classification (germline): Uncertain significance (1 of 4 stars; one submission).

Conditions:
Methylmalonic acidemia with homocystinuria, type cblJ (MAHCJ). Also called: METHYLMALONIC ACIDURIA AND HOMOCYSTINURIA, cblJ TYPE. Identifiers: Orphanet 369955, MedGen C3553915, MONDO:0013925, OMIM 614857.

gnomAD v4.1: 1 of 1,614,158 alleles (0.000062%); highest among the groups gnomAD compares: Admixed American, 0.0017%; no homozygotes.

Submission:

Labcorp Genetics (formerly Invitae), Labcorp
Classification: Uncertain significance for Methylmalonic acidemia with homocystinuria, type cblJ. Last evaluated: 2022-07-04. Review status: criteria provided, single submitter. Criteria: Invitae Variant Classification Sherloc (09022015). Collection method: clinical testing. Allele origin: germline.
Comment: In summary, the available evidence is currently insufficient to determine the role of this variant in disease. Therefore, it has been classified as a Variant of Uncertain Significance. Advanced modeling of protein sequence and biophysical properties (such as structural, functional, and spatial information, amino acid conservation, physicochemical variation, residue mobility, and thermodynamic stability) performed at Invitae indicates that this missense variant is not expected to disrupt ABCD4 protein function. This variant has not been reported in the literature in individuals affected with ABCD4-related conditions. This variant is present in population databases (no rsID available, gnomAD 0.003%). This sequence change replaces methionine, which is neutral and non-polar, with leucine, which is neutral and non-polar, at codon 247 of the ABCD4 protein (p.Met247Leu).

NM_005050.4(ABCD4):c.739A>C (p.Met247Leu)

Gene: ABCD4 (ATP binding cassette subfamily D member 4; minus strand). Cytogenetic location: 14q24.3.
Variant type: single nucleotide variant.
Coding change: c.739A>C on transcript NM_005050.4 (MANE Select); coding-DNA position 739, A replaced by C.
Protein change: p.Met247Leu; replaces methionine 247 with leucine.
Molecular consequence: missense variant. On other transcripts: non-coding transcript variant (6), intron variant (9).
Genome position (GRCh38, 1-based): chr14:74,293,229, T>G on the plus strand (A>C on the coding strand, the complement: ABCD4 is on the minus strand). VCF-style: chr14-74293229-T-G. GRCh37 (hg19) VCF-style: chr14-74759932-T-G.
Other names: c.613A>C, p.Met205Leu (NM_001353591.2, NM_001353592.2); c.478A>C, p.Met160Leu (NM_001353593.2); c.427A>C, p.Met143Leu (NM_001353594.2); c.325A>C, p.Met109Leu (NM_001353595.2, NM_001353596.2); c.274A>C, p.Met92Leu (NM_001353597.2); c.262A>C, p.Met88Leu (NM_001353598.2, NM_001353599.2, NM_001353600.2 and 2 more transcripts); c.610A>C, p.Met204Leu (NM_020323.1); c.739A>C, p.Met247Leu (NM_020325.3); and 1 more; short protein forms M88L, M92L, M109L, M143L, M247L, M160L, M204L, M205L.
Identifiers: ClinVar variation 1925924 (VCV001925924.5), dbSNP rs377396654, ClinGen allele CA390384823.